The following is an entry in ClinVar:

ClinVar aggregate classification (germline): Likely benign. Review status: criteria provided, single submitter (1 of 4 stars). 2 submissions from 2 submitters: Likely benign (1). 1 of the submissions does not count toward it. Last evaluated 2022-06-16.

Conditions:
CC2D2A-related disorder. Also called: CC2D2A-related condition; CC2D2A-related disorders. Identifiers: MedGen CN239313.

Submissions (2):

Blueprint Genetics
Classification: Likely benign. Last evaluated: 2022-06-16. Review status: criteria provided, single submitter. Criteria: ACMG Guidelines, 2015. Collection method: clinical testing. Allele origin: germline.

PreventionGenetics, part of Exact Sciences
Classification: Likely benign for CC2D2A-related condition. Last evaluated: 2019-06-17. Review status: no assertion criteria provided. Collection method: clinical testing. Allele origin: germline. Not counted in ClinVar's aggregate classification.
Comment: This variant is classified as likely benign based on ACMG/AMP sequence variant interpretation guidelines (Richards et al. 2015 PMID: 25741868, with internal and published modifications).

NM_001378615.1(CC2D2A):c.717+9T>G

Genes: CC2D2A (coiled-coil and C2 domain containing 2A; plus strand), FBXL5 (F-box and leucine rich repeat protein 5; minus strand). Cytogenetic location: 4p15.32.
Variant type: single nucleotide variant.
Coding change: c.717+9T>G on transcript NM_001378615.1 (MANE Select); 9 bases into the intron after coding-DNA position 717, T replaced by G.
Molecular consequence: intron variant.
Genome position (GRCh38, 1-based): chr4:15,511,432, T>G. VCF-style: chr4-15511432-T-G. GRCh37 (hg19) VCF-style: chr4-15513055-T-G.
Other names: c.717+9T>G (NM_001080522.2); c.570+9T>G (NM_001378617.1).
Identifiers: ClinVar variation 3033913 (VCV003033913.3), dbSNP rs1716564919, ClinGen allele CA2740091216.